The following is an entry in ClinVar:

NM_001040142.2(SCN2A):c.527C>T (p.Ala176Val)

Gene: SCN2A (sodium voltage-gated channel alpha subunit 2; plus strand). Cytogenetic location: 2q24.3.
Variant type: single nucleotide variant.
Coding change: c.527C>T on transcript NM_001040142.2 (MANE Select); coding-DNA position 527, C replaced by T.
Protein change: p.Ala176Val; replaces alanine 176 with valine.
Molecular consequence: missense variant.
Genome position (GRCh38, 1-based): chr2:165,308,716, C>T. VCF-style: chr2-165308716-C-T. GRCh37 (hg19) VCF-style: chr2-166165226-C-T.
Other names: c.527C>T, p.Ala176Val (NM_001040143.2, NM_001371246.1, NM_001371247.1 and 1 more transcripts); short protein forms A176V.
Identifiers: ClinVar variation 2663711 (VCV002663711.1), dbSNP rs2467883919, ClinGen allele CA349016262.

ClinVar aggregate classification (germline): Uncertain significance (1 of 4 stars; one submission).

Submission:

GeneDx
Classification: Uncertain significance. Last evaluated: 2023-04-26. Review status: criteria provided, single submitter. Criteria: GeneDx Variant Classification Process June 2021. Collection method: clinical testing. Allele origin: germline. Affected: yes.
Comment: Not observed at significant frequency in large population cohorts (gnomAD); Missense variants in this gene are often considered pathogenic (HGMD); In silico analysis supports that this missense variant has a deleterious effect on protein structure/function; Has not been previously published as pathogenic or benign to our knowledge; This substitution is predicted to be within the transmembrane segment S2 of the first homologous domain